The following is an entry in ClinVar:

ClinVar aggregate classification (germline): Pathogenic. Review status: criteria provided, multiple submitters, no conflicts (2 of 4 stars). 6 submissions from 6 submitters: Pathogenic (5). 1 of the submissions does not count toward it. Last evaluated 2025-10-23.

Conditions:
IFT140-related disorder. Also called: IFT140-related condition.
Retinitis pigmentosa 80 (RP80). Identifiers: MedGen C4540439, MONDO:0054708, OMIM 617781.
Saldino-Mainzer syndrome (SRTD9). Also called: CONORENAL SYNDROME; Renal dysplasia, retinal pigmentary dystrophy, cerebellar ataxia and skeletal dysplasia; SHORT-RIB THORACIC DYSPLASIA 9 WITHOUT POLYDACTYLY; short-rib thoracic dysplasia 9 with or without polydactyly. Identifiers: Orphanet 140969, MedGen C1849437, MONDO:0009964, OMIM 266920.

Submissions (6):

PreventionGenetics, part of Exact Sciences
Classification: Pathogenic for IFT140-related condition. Last evaluated: 2025-10-23. Review status: criteria provided, single submitter. Criteria: ACMG Guidelines, 2015. Collection method: clinical testing. Allele origin: germline.
Comment: The IFT140 c.2214_2217delCAGA variant is predicted to result in a frameshift and premature protein termination (p.Asp738Glufs*47). This variant was reported in the compound heterozygous state with a pathogenic missense variant in an individual with Mainzer-Saldino syndrome (Yeh et al. 2022. PubMed ID: 36393898). This variant was also reported in the heterozygous state in individuals with autosomal dominant polycystic kidney disease (ADPKD) (Clark et al. 2024. PubMed ID: 39136524). This variant has not been reported in a large population database (gnomAD), indicating this variant is rare. Frameshift variants in IFT140 are expected to be pathogenic. Since loss-of-function of IFT140 is the disease causing mechanism for both autosomal dominant and recessive IFT140-related disorders, this variant is interpreted as pathogenic for both autosomal dominant and recessive IFT140-related disorders.

Labcorp Genetics (formerly Invitae), Labcorp
Classification: Pathogenic for Saldino-Mainzer syndrome. Last evaluated: 2025-04-16. Review status: criteria provided, single submitter. Criteria: Invitae Variant Classification Sherloc (09022015). Collection method: clinical testing. Allele origin: germline.
Comment: This sequence change creates a premature translational stop signal (p.Asp738Glufs*47) in the IFT140 gene. It is expected to result in an absent or disrupted protein product. Loss-of-function variants in IFT140 are known to be pathogenic (PMID: 22503633, 23418020, 24009529, 26216056). This variant is not present in population databases (gnomAD no frequency). This variant has not been reported in the literature in individuals affected with IFT140-related conditions. For these reasons, this variant has been classified as Pathogenic.

GeneDx
Classification: Pathogenic. Last evaluated: 2025-02-21. Review status: criteria provided, single submitter. Criteria: GeneDx Variant Classification Process June 2021. Collection method: clinical testing. Allele origin: germline. Affected: yes.
Comment: Frameshift variant predicted to result in protein truncation or nonsense mediated decay in a gene for which loss of function is a known mechanism of disease; Not observed at significant frequency in large population cohorts (gnomAD); This variant is associated with the following publications: (PMID: 36393898, 39136524, Catania2024[letter to editor])

Fulgent Genetics
Classification: Pathogenic for Saldino-Mainzer syndrome; Retinitis pigmentosa 80. Last evaluated: 2024-05-03. Review status: criteria provided, single submitter. Criteria: ACMG Guidelines, 2015. Collection method: clinical testing. Allele origin: germline.

MVZ Martinsried, Medicover Genetics
Classification: Pathogenic for Saldino-Mainzer syndrome. Last evaluated: 2021-06-18. Review status: criteria provided, single submitter. Criteria: ACGS Guidelines, 2020. Collection method: clinical testing. Allele origin: paternal. Affected: yes.

OMIM
Classification: Pathogenic for RETINITIS PIGMENTOSA 80. Last evaluated: 2025-04-18. Review status: no assertion criteria provided. Collection method: literature only. Allele origin: germline. Not counted in ClinVar's aggregate classification.

Literature cited by the submitters: PubMed 22503633 (cited by Labcorp Genetics (formerly Invitae), Labcorp); PubMed 23418020 (cited by Labcorp Genetics (formerly Invitae), Labcorp); PubMed 24009529 (cited by Labcorp Genetics (formerly Invitae), Labcorp); PubMed 26216056 (cited by Labcorp Genetics (formerly Invitae), Labcorp); PubMed 36393898 (cited by OMIM).

NM_014714.4(IFT140):c.2214_2217del (p.Asp738fs)

Gene: IFT140 (intraflagellar transport 140; minus strand). Cytogenetic location: 16p13.3.
Variant type: Microsatellite.
Coding change: c.2214_2217del on transcript NM_014714.4 (MANE Select); coding-DNA positions 2214 to 2217, 4 bases deleted (CAGA; older notation c.2214_2217delCAGA).
Protein change: p.Asp738fs; shifts the reading frame from aspartic acid 738.
Molecular consequence: frameshift variant.
Genome position (GRCh38, 1-based): chr16:1,558,117-1,558,120, TCTG deleted on the plus strand (CAGA on the coding strand, the reverse complement: IFT140 is on the minus strand); deleting any 4 consecutive bases within chr16:1,558,117-1,558,124 gives the same sequence; the c. name uses the placement nearest the transcript's 3' end. VCF-style (leftmost placement, unchanged base first): chr16-1558116-CTCTG-C. GRCh37 (hg19) VCF-style: chr16-1608117-CTCTG-C.
Other names: c.2214_2217delCAGA (NM_014714.4, NM_014714.3); c.2214_2217del (NM_014714.3); short protein forms D738fs.
Identifiers: ClinVar variation 1298391 (VCV001298391.12), dbSNP rs1415763185, ClinGen allele CA718466199.